The following is an entry in ClinVar:

ClinVar aggregate classification (germline): Benign/Likely benign. Review status: criteria provided, multiple submitters, no conflicts (2 of 4 stars). 29 submissions from 22 submitters: Benign (20); Likely benign (3). 6 of the submissions do not count toward it. Last evaluated 2026-02-03.

Conditions:
Cardiovascular phenotype. Identifiers: MedGen CN230736.
Dilated cardiomyopathy 1G (CMD1G). Identifiers: Orphanet 154, MedGen C1858763, MONDO:0011400, OMIM 604145.
Autosomal recessive limb-girdle muscular dystrophy type 2J (LGMDR10). Also called: MUSCULAR DYSTROPHY, LIMB-GIRDLE, AUTOSOMAL RECESSIVE 10; Limb-girdle muscular dystrophy, type 2J. Identifiers: Orphanet 140922, MedGen C1837342, MONDO:0012127, OMIM 608807.
Cardiomyopathy (CMYO). Also called: Cardiomyopathies. Identifiers: Orphanet 167848, MedGen C0878544, MONDO:0004994, HP:0001638. Inheritance: Various modes of inheritance.
Early-onset myopathy with fatal cardiomyopathy (CMYO5). Also called: CONGENITAL MYOPATHY 5 WITH CARDIOMYOPATHY; Salih Myopathy. Identifiers: Orphanet 289377, MedGen C2673677, MONDO:0012714, OMIM 611705. Disease mechanism: loss of function.
Myopathy, myofibrillar, 9, with early respiratory failure (MFM9). Also called: Myopathy, distal, with early respiratory failure, autosomal dominant; Hereditary myopathy with early respiratory failure; MYOPATHY, PROXIMAL, WITH EARLY RESPIRATORY MUSCLE INVOLVEMENT; EDSTROM MYOPATHY. Identifiers: Orphanet 178464, Orphanet 34521, MedGen C1863599, MONDO:0011362, OMIM 603689.
Tibial muscular dystrophy (TMD). Also called: Udd Distal Myopathy – Tibial Muscular Dystrophy; Tibial muscular dystrophy, tardive; UDD MYOPATHY. Identifiers: Orphanet 609, MedGen C1838244, MONDO:0010870, OMIM 600334.

Allele frequency attached by ClinVar (database versions not stated): 1000 Genomes Project 0.01617; gnomAD 0.01984 and 0.01826; TOPMed 0.02123; ExAC 0.00553; gnomAD exomes 0.00460; 1000 Genomes Project 30x 0.01640; ESP Exome Variant Server 0.02067.
gnomAD v4.1: 5,511 of 1,613,562 alleles (0.34%); highest among the groups gnomAD compares: African/African-American, 6.5%; 179 homozygotes.

Submissions (29):

Labcorp Genetics (formerly Invitae), Labcorp
Classification: Benign for Dilated cardiomyopathy 1G; Autosomal recessive limb-girdle muscular dystrophy type 2J. Last evaluated: 2026-02-03. Review status: criteria provided, single submitter. Criteria: Invitae Variant Classification Sherloc (09022015). Collection method: clinical testing. Allele origin: germline.

ARUP Laboratories, Molecular Genetics and Genomics, ARUP Laboratories
Classification: Benign. Last evaluated: 2025-05-14. Review status: criteria provided, single submitter. Criteria: ARUP Molecular Germline Variant Investigation Process 2024. Collection method: clinical testing. Allele origin: germline.

Molecular Diagnostic Laboratory for Inherited Cardiovascular Disease, Montreal Heart Institute
Classification: Benign. Last evaluated: 2025-04-09. Review status: criteria provided, single submitter. Criteria: ACMG Guidelines, 2015. Collection method: clinical testing. Allele origin: germline. Affected: no.

Athena Diagnostics
Classification: Benign. Last evaluated: 2025-03-13. Review status: criteria provided, single submitter. Criteria: Athena Diagnostics Criteria. Collection method: clinical testing. Allele origin: unknown.
Comment: The frequency of this variant in the general population is higher than would generally be expected for pathogenic variants in this gene.

Genome-Nilou Lab
Classification: Benign for Autosomal recessive limb-girdle muscular dystrophy type 2J. Last evaluated: 2021-09-10. Review status: criteria provided, single submitter. Criteria: ACMG Guidelines, 2015. Collection method: clinical testing. Allele origin: germline. Affected: no.

Genome-Nilou Lab
Classification: Benign for Myopathy, myofibrillar, 9, with early respiratory failure. Last evaluated: 2021-09-10. Review status: criteria provided, single submitter. Criteria: ACMG Guidelines, 2015. Collection method: clinical testing. Allele origin: germline. Affected: no.

Genome-Nilou Lab
Classification: Benign for Early-onset myopathy with fatal cardiomyopathy. Last evaluated: 2021-09-10. Review status: criteria provided, single submitter. Criteria: ACMG Guidelines, 2015. Collection method: clinical testing. Allele origin: germline. Affected: no.

Genome-Nilou Lab
Classification: Benign for Tibial muscular dystrophy. Last evaluated: 2021-09-10. Review status: criteria provided, single submitter. Criteria: ACMG Guidelines, 2015. Collection method: clinical testing. Allele origin: germline. Affected: no.

Women's Health and Genetics/Laboratory Corporation of America, LabCorp
Classification: Likely benign. Last evaluated: 2020-04-12. Review status: criteria provided, single submitter. Criteria: LabCorp Variant Classification Summary - May 2015. Collection method: clinical testing. Allele origin: germline.

Mayo Clinic Laboratories, Mayo Clinic
Classification: Benign. Last evaluated: 2019-03-07. Review status: criteria provided, single submitter. Criteria: ACMG Guidelines, 2015. Collection method: clinical testing. Allele origin: germline. Observed: 38 variant alleles.

Illumina Laboratory Services, Illumina
Classification: Benign for Autosomal recessive limb-girdle muscular dystrophy type 2J. Last evaluated: 2018-01-13. Review status: criteria provided, single submitter. Criteria: ICSL Variant Classification Criteria 13 December 2019. Collection method: clinical testing. Allele origin: germline.
Comment: This variant was observed in the ICSL laboratory as part of a predisposition screen in an ostensibly healthy population. It had not been previously curated by ICSL or reported in the Human Gene Mutation Database (HGMD: prior to June 1st, 2018), and was therefore a candidate for classification through an automated scoring system. Utilizing variant allele frequency, disease prevalence and penetrance estimates, and inheritance mode, an automated score was calculated to assess if this variant is too frequent to cause the disease. Based on the score and internal cut-off values, a variant classified as benign is not then subjected to further curation. The score for this variant resulted in a classification of benign for this disease.

Illumina Laboratory Services, Illumina
Classification: Benign for Early-onset myopathy with fatal cardiomyopathy. Last evaluated: 2018-01-13. Review status: criteria provided, single submitter. Criteria: ICSL Variant Classification Criteria 13 December 2019. Collection method: clinical testing. Allele origin: germline.
Comment: the same text as in the submission from Illumina Laboratory Services, Illumina above.

Illumina Laboratory Services, Illumina
Classification: Benign for Myopathy, myofibrillar, 9, with early respiratory failure. Last evaluated: 2018-01-13. Review status: criteria provided, single submitter. Criteria: ICSL Variant Classification Criteria 13 December 2019. Collection method: clinical testing. Allele origin: germline.
Comment: the same text as in the submission from Illumina Laboratory Services, Illumina above.

Illumina Laboratory Services, Illumina
Classification: Benign for Tibial muscular dystrophy. Last evaluated: 2018-01-13. Review status: criteria provided, single submitter. Criteria: ICSL Variant Classification Criteria 13 December 2019. Collection method: clinical testing. Allele origin: germline.
Comment: the same text as in the submission from Illumina Laboratory Services, Illumina above.

Illumina Laboratory Services, Illumina
Classification: Likely benign for Dilated cardiomyopathy 1G. Last evaluated: 2018-01-13. Review status: criteria provided, single submitter. Criteria: ICSL Variant Classification Criteria 13 December 2019. Collection method: clinical testing. Allele origin: germline.
Comment: This variant was observed in the ICSL laboratory as part of a predisposition screen in an ostensibly healthy population. It had not been previously curated by ICSL or reported in the Human Gene Mutation Database (HGMD: prior to June 1st, 2018), and was therefore a candidate for classification through an automated scoring system. Utilizing variant allele frequency, disease prevalence and penetrance estimates, and inheritance mode, an automated score was calculated to assess if this variant is too frequent to cause the disease. Based on the score and internal cut-off values, a variant classified as likely benign is not then subjected to further curation. The score for this variant resulted in a classification of likely benign for this disease.

CHEO Genetics Diagnostic Laboratory, Children's Hospital of Eastern Ontario
Classification: Benign for Cardiomyopathy. Last evaluated: 2016-03-08. Review status: criteria provided, single submitter. Criteria: ACMG Guidelines, 2015. Collection method: clinical testing. Allele origin: germline. Study: Canadian Open Genetics Repository.

GeneDx
Classification: Benign. Last evaluated: 2014-04-14. Review status: criteria provided, single submitter. Criteria: GeneDx Variant Classification (06012015). Collection method: clinical testing. Allele origin: germline. Affected: yes.
Comment: This variant is considered likely benign or benign based on one or more of the following criteria: it is a conservative change, it occurs at a poorly conserved position in the protein, it is predicted to be benign by multiple in silico algorithms, and/or has population frequency not consistent with disease.

Eurofins Ntd Llc (ga)
Classification: Benign. Last evaluated: 2013-07-26. Review status: criteria provided, single submitter. Criteria: EGL Classification Definitions 2015. Collection method: clinical testing. Allele origin: germline. Observed: 1 variant allele, 1 heterozygote.

Biesecker Lab/Clinical Genomics Section, National Institutes of Health
Classification: Benign. Last evaluated: 2013-06-24. Review status: criteria provided, single submitter. Criteria: Ng et al. (Circ Cardiovasc Genet. 2013). Collection method: research. Allele origin: unknown. Observed: 4 variant alleles. Study: ClinSeq.
Comment: The study set was not selected for affection status in relation to any cancer. Pathogenicity categories were based on literature curation. See Pubmed ID:23861362 for details.

Medical sequencing

Ambry Genetics
Classification: Benign for Cardiovascular phenotype. Last evaluated: 2013-02-26. Review status: criteria provided, single submitter. Criteria: Ambry Autosomal Dominant and X-Linked criteria (10/2015). Collection method: clinical testing. Allele origin: germline. Observed: 1 variant allele.

Laboratory for Molecular Medicine, Mass General Brigham Personalized Medicine
Classification: Benign. Last evaluated: 2012-04-25. Review status: criteria provided, single submitter. Criteria: LMM Criteria. Collection method: clinical testing. Allele origin: germline. Observed: 31 variant alleles.

Breakthrough Genomics
Classification: Likely benign. Review status: criteria provided, single submitter. Criteria: ACMG Guidelines, 2015. Collection method: not provided. Allele origin: germline. Inheritance: Autosomal recessive inheritance. Affected: yes.

PreventionGenetics, part of Exact Sciences
Classification: Benign. Review status: criteria provided, single submitter. Criteria: ACMG Guidelines, 2015. Collection method: clinical testing. Allele origin: germline.

Clinical Genetics DNA and cytogenetics Diagnostics Lab, Erasmus MC, Erasmus Medical Center
Classification: Benign. Review status: no assertion criteria provided. Collection method: clinical testing. Allele origin: germline. Affected: yes. Study: VKGL Data-share Consensus. Not counted in ClinVar's aggregate classification.

Clinical Genetics, Academic Medical Center
Classification: Benign. Review status: no assertion criteria provided. Collection method: clinical testing. Allele origin: germline. Affected: yes. Study: VKGL Data-share Consensus. Not counted in ClinVar's aggregate classification.

Diagnostic Laboratory, Department of Genetics, University Medical Center Groningen
Classification: Likely benign. Review status: no assertion criteria provided. Collection method: clinical testing. Allele origin: germline. Affected: yes. Study: VKGL Data-share Consensus. Not counted in ClinVar's aggregate classification.

Genetic Services Laboratory, University of Chicago
Classification: Likely benign for AllHighlyPenetrant. Review status: no assertion criteria provided. Collection method: clinical testing. Allele origin: germline. Not counted in ClinVar's aggregate classification.
Comment: Likely benign based on allele frequency in 1000 Genomes Project or ESP global frequency and its presence in a patient with a rare or unrelated disease phenotype. NOT Sanger confirmed.

Genome Diagnostics Laboratory, University Medical Center Utrecht
Classification: Benign. Review status: no assertion criteria provided. Collection method: clinical testing. Allele origin: germline. Affected: yes. Study: VKGL Data-share Consensus. Not counted in ClinVar's aggregate classification.

Joint Genome Diagnostic Labs from Nijmegen and Maastricht, Radboudumc and MUMC+
Classification: Benign. Review status: no assertion criteria provided. Collection method: clinical testing. Allele origin: germline. Affected: yes. Study: VKGL Data-share Consensus. Not counted in ClinVar's aggregate classification.

NM_001267550.2(TTN):c.84352C>T (p.Arg28118Cys)

Genes: TTN (titin; minus strand), TTN-AS1 (TTN antisense RNA 1; plus strand). Cytogenetic location: 2q31.2.
Variant type: single nucleotide variant.
Coding change: c.84352C>T on transcript NM_001267550.2 (MANE Select); coding-DNA position 84352, C replaced by T.
Protein change: p.Arg28118Cys; replaces arginine 28118 with cysteine.
Molecular consequence: missense variant.
Genome position (GRCh38, 1-based): chr2:178,561,780, G>A on the plus strand (C>T on the coding strand, the complement: TTN is on the minus strand). VCF-style: chr2-178561780-G-A. GRCh37 (hg19) VCF-style: chr2-179426507-G-A.
Other names: p.R26477C:CGC>TGC; c.79429C>T, p.Arg26477Cys (NM_001256850.1); c.57157C>T, p.Arg19053Cys (NM_003319.4); c.76648C>T, p.Arg25550Cys (NM_133378.4); c.57532C>T, p.Arg19178Cys (NM_133432.3); c.57733C>T, p.Arg19245Cys (NM_133437.4); short protein forms R28118C, R25550C, R26477C, R19053C, R19178C, R19245C.
Identifiers: ClinVar variation 47433 (VCV000047433.55), dbSNP rs56057221, ClinGen allele CA283941.